The following is an entry in ClinVar:

ClinVar aggregate classification (germline): Pathogenic (1 of 4 stars; one submission).

Conditions:
Familial cancer of breast. Also called: hereditary breast carcinoma; BREAST CANCER, FAMILIAL; Hereditary breast cancer. Identifiers: Orphanet 227535, MedGen C0346153, MONDO:0016419, OMIM 114480. Disease mechanism: loss of function.

Submission:

Labcorp Genetics (formerly Invitae), Labcorp
Classification: Pathogenic for Familial cancer of breast. Last evaluated: 2020-08-30. Review status: criteria provided, single submitter. Criteria: Invitae Variant Classification Sherloc (09022015). Collection method: clinical testing. Allele origin: germline.
Comment: For these reasons, this variant has been classified as Pathogenic. Loss-of-function variants in PALB2 are known to be pathogenic (PMID: 17200668, 24136930, 25099575). This variant has not been reported in the literature in individuals with PALB2-related conditions. This variant is not present in population databases (ExAC no frequency). This sequence change creates a premature translational stop signal (p.Leu1069Phefs*6) in the PALB2 gene. It is expected to result in an absent or disrupted protein product.

Literature cited by the submitters: PubMed 17200668; PubMed 24136930; PubMed 25099575.

NC_000016.10:g.23608013del

Gene: PALB2 (partner and localizer of BRCA2; minus strand). Cytogenetic location: 16p12.2.
Variant type: Deletion.
Genome position: GRCh38 VCF-style: chr16-23608009-GC-G. GRCh37 (hg19) VCF-style: chr16-23619330-GC-G.
Identifiers: ClinVar variation 1069812 (VCV001069812.8), dbSNP rs2142274423, ClinGen allele CA2499223404.
Genomic context (GRCh38, chr16:23,608,009, plus strand): 5'-CAGGGCTTCGCAACGACTCACTCTCTTTGGCACAGGGATGACTCAGGACAATAAAGAGAA[GC>G]CCCTAATTTCGGAGAAAAATAAATATCCCAAATAGACTGTCAAGAGTATGTCAGGAAAAA-3'